The following is an entry in ClinVar:

ClinVar aggregate classification (germline): Uncertain significance (1 of 4 stars; one submission).

Conditions:
Early-infantile DEE. Also called: Early infantile epileptic encephalopathy with suppression bursts; Early infantile epileptic encephalopathy; Ohtahara syndrome. Identifiers: Orphanet 1934, MedGen C0393706, MONDO:0800491.

Submission:

Labcorp Genetics (formerly Invitae), Labcorp
Classification: Uncertain significance for Early-infantile DEE. Last evaluated: 2025-08-29. Review status: criteria provided, single submitter. Criteria: Invitae Variant Classification Sherloc (09022015). Collection method: clinical testing. Allele origin: germline.
Comment: This sequence change replaces proline, which is neutral and non-polar, with leucine, which is neutral and non-polar, at codon 193 of the SCN8A protein (p.Pro193Leu). This variant is not present in population databases (gnomAD no frequency). This variant has not been reported in the literature in individuals affected with SCN8A-related conditions. Invitae Evidence Modeling of protein sequence and biophysical properties (such as structural, functional, and spatial information, amino acid conservation, physicochemical variation, residue mobility, and thermodynamic stability) indicates that this missense variant is expected to disrupt SCN8A protein function with a positive predictive value of 95%. In summary, the available evidence is currently insufficient to determine the role of this variant in disease. Therefore, it has been classified as a Variant of Uncertain Significance.

NM_001330260.2(SCN8A):c.578C>T (p.Pro193Leu)

Gene: SCN8A (sodium voltage-gated channel alpha subunit 8; plus strand). Cytogenetic location: 12q13.13.
Variant type: single nucleotide variant.
Coding change: c.578C>T on transcript NM_001330260.2 (MANE Select); coding-DNA position 578, C replaced by T.
Protein change: p.Pro193Leu; replaces proline 193 with leucine.
Molecular consequence: missense variant.
Genome position (GRCh38, 1-based): chr12:51,687,183, C>T. VCF-style: chr12-51687183-C-T. GRCh37 (hg19) VCF-style: chr12-52080967-C-T.
Other names: c.578C>T, p.Pro193Leu (NM_001177984.3, NM_001369788.1, NM_014191.4); short protein forms P193L.
Identifiers: ClinVar variation 4801269 (VCV004801269.1).